The following is an entry in ClinVar:

ClinVar aggregate classification (germline): Uncertain significance. Review status: criteria provided, multiple submitters, no conflicts (2 of 4 stars). 2 submissions from 2 submitters: Uncertain significance (2). Last evaluated 2025-12-13.

Conditions:
Inborn genetic diseases. Identifiers: MedGen C0950123, MeSH D030342.
GHRHR-related disorder. Also called: GHRHR-related condition.

Allele frequency attached by ClinVar (database versions not stated): ExAC 0.00006; ESP Exome Variant Server 0.00031.

Submissions (2):

PreventionGenetics, part of Exact Sciences
Classification: Uncertain significance for GHRHR-related condition. Last evaluated: 2025-12-13. Review status: criteria provided, single submitter. Criteria: ACMG Guidelines, 2015. Collection method: clinical testing. Allele origin: germline.
Comment: The GHRHR c.839C>T variant is predicted to result in the amino acid substitution p.Pro280Leu. To our knowledge, this variant has not been reported in the literature. This variant is reported in 0.052% of alleles in individuals of African descent in gnomAD. At this time, the clinical significance of this variant is uncertain due to the absence of conclusive functional and genetic evidence.

Ambry Genetics
Classification: Uncertain significance for Inborn genetic diseases. Last evaluated: 2023-06-22. Review status: criteria provided, single submitter. Criteria: Ambry Variant Classification Scheme 2023. Collection method: clinical testing. Allele origin: germline.

NM_000823.4(GHRHR):c.839C>T (p.Pro280Leu)

Gene: GHRHR (growth hormone releasing hormone receptor; plus strand). Cytogenetic location: 7p14.3.
Variant type: single nucleotide variant.
Coding change: c.839C>T on transcript NM_000823.4 (MANE Select); coding-DNA position 839, C replaced by T.
Protein change: p.Pro280Leu; replaces proline 280 with leucine.
Molecular consequence: missense variant.
Genome position (GRCh38, 1-based): chr7:30,974,997, C>T. VCF-style: chr7-30974997-C-T. GRCh37 (hg19) VCF-style: chr7-31014612-C-T.
Other names: short protein forms P280L.
Identifiers: ClinVar variation 2605598 (VCV002605598.3), dbSNP rs141237359, ClinGen allele CA4208686.
Genomic context (GRCh38, chr7:30,974,997, plus strand): 5'-TTTCCAACAACGGCCTTCTTTCCTCTCTCCCCAGGTGCTGGGACCTGGACGACACCTCCC[C>T]CTACTGGTGGATCATCAAAGGGCCCATTGTCCTCTCGGTCGGGGTCAGTCCCTGGGCCAG-3'
Protein context (NP_000814.2, residues 270-290): IACWDLDDTS[Pro280Leu]YWWIIKGPIV